The following is an entry in ClinVar:

ClinVar aggregate classification (germline): Uncertain significance. Review status: criteria provided, single submitter (1 of 4 stars). 2 submissions from 2 submitters: Uncertain significance (1). 1 of the submissions does not count toward it. Last evaluated 2025-05-18.

Conditions:
Ataxia-telangiectasia syndrome (AT). Also called: Ataxia-telangiectasia; LOUIS-BAR SYNDROME; Cerebello-oculocutaneous telangiectasia; Immunodeficiency with ataxia telangiectasia; AT, COMPLEMENTATION GROUP C; Ataxia-telangiectasia, complementation group D. Identifiers: Orphanet 100, MedGen C0004135, MONDO:0008840, OMIM 208900.
Hereditary cancer-predisposing syndrome. Also called: Tumor predisposition; Neoplastic Syndromes, Hereditary; Hereditary Cancer Syndrome; Hereditary neoplastic syndrome. Identifiers: Orphanet 140162, MedGen C0027672, MeSH D009386, MONDO:0015356.

Submissions (2):

Ambry Genetics
Classification: Uncertain significance for Hereditary cancer-predisposing syndrome. Last evaluated: 2025-05-18. Review status: criteria provided, single submitter. Criteria: Ambry Variant Classification Scheme 2023. Collection method: clinical testing. Allele origin: germline.
Comment: The p.H1518Y variant (also known as c.4552C>T), located in coding exon 29 of the ATM gene, results from a C to T substitution at nucleotide position 4552. The histidine at codon 1518 is replaced by tyrosine, an amino acid with similar properties. This amino acid position is well conserved in available vertebrate species. In addition, the in silico prediction for this alteration is inconclusive. Based on the available evidence, the clinical significance of this variant remains unclear.

Natera, Inc.
Classification: Uncertain significance for Ataxia-telangiectasia. Last evaluated: 2025-05-28. Review status: no assertion criteria provided. Collection method: clinical testing. Allele origin: germline. Not counted in ClinVar's aggregate classification.

NM_000051.4(ATM):c.4552C>T (p.His1518Tyr)

Gene: ATM (ATM serine/threonine kinase; plus strand). Cytogenetic location: 11q22.3.
Variant type: single nucleotide variant.
Coding change: c.4552C>T on transcript NM_000051.4 (MANE Select); coding-DNA position 4552, C replaced by T.
Protein change: p.His1518Tyr; replaces histidine 1518 with tyrosine.
Molecular consequence: missense variant.
Genome position (GRCh38, 1-based): chr11:108,292,734, C>T. VCF-style: chr11-108292734-C-T. GRCh37 (hg19) VCF-style: chr11-108163461-C-T.
Other names: c.4552C>T, p.His1518Tyr (NM_001351834.2); short protein forms H1518Y.
Identifiers: ClinVar variation 3967070 (VCV003967070.2).